The following is an entry in ClinVar:

NM_001458.5(FLNC):c.3468C>T (p.Ser1156=)

Gene: FLNC (filamin C; plus strand). Cytogenetic location: 7q32.1.
Variant type: single nucleotide variant.
Coding change: c.3468C>T on transcript NM_001458.5 (MANE Select); coding-DNA position 3468, C replaced by T.
Protein change: p.Ser1156=; no amino-acid change (serine 1156 retained).
Molecular consequence: synonymous variant.
Genome position (GRCh38, 1-based): chr7:128,844,933, C>T. VCF-style: chr7-128844933-C-T. GRCh37 (hg19) VCF-style: chr7-128484987-C-T.
Other names: c.3468C>T, p.Ser1156= (NM_001127487.2).
Identifiers: ClinVar variation 2153863 (VCV002153863.5), dbSNP rs1162235578, ClinGen allele CA457848305.

ClinVar aggregate classification (germline): Likely benign. Review status: criteria provided, multiple submitters, no conflicts (2 of 4 stars). 2 submissions from 2 submitters: Likely benign (2). Last evaluated 2025-10-21.

Conditions:
Myofibrillar myopathy 5. Also called: Filaminopathy (type); FILAMINOPATHY, AUTOSOMAL DOMINANT. Identifiers: Orphanet 171445, MedGen C1836050, MONDO:0012289, OMIM 609524.
Distal myopathy with posterior leg and anterior hand involvement. Also called: WILLIAMS DISTAL MYOPATHY. Identifiers: Orphanet 63273, MedGen C3279722, MONDO:0013550, OMIM 614065.
Hypertrophic cardiomyopathy 26. Also called: Cardiomyopathy, familial hypertrophic, 26. Identifiers: Orphanet 75249, MedGen C4310749, MONDO:0014883, OMIM 617047.
FLNC-related disorder. Also called: FLNC-related condition; FLNC-related disorders.

Allele frequency attached by ClinVar (database versions not stated): gnomAD exomes 0.00001; TOPMed 0.00002; gnomAD 0.00003.
gnomAD v4.1: 8 of 1,613,778 alleles (0.0005%); highest among the groups gnomAD compares: African/African-American, 0.011%; no homozygotes.

Submissions (2):

PreventionGenetics, part of Exact Sciences
Classification: Likely benign for FLNC-related condition. Last evaluated: 2025-10-21. Review status: criteria provided, single submitter. Criteria: ACMG Guidelines, 2015. Collection method: clinical testing. Allele origin: germline.
Comment: This variant is classified as likely benign based on ACMG/AMP sequence variant interpretation guidelines (Richards et al. 2015 PMID: 25741868, with internal and published modifications).

Labcorp Genetics (formerly Invitae), Labcorp
Classification: Likely benign for Distal myopathy with posterior leg and anterior hand involvement; Myofibrillar myopathy 5; Hypertrophic cardiomyopathy 26. Last evaluated: 2025-03-22. Review status: criteria provided, single submitter. Criteria: Invitae Variant Classification Sherloc (09022015). Collection method: clinical testing. Allele origin: germline.